The following is an entry in ClinVar:

NM_182961.4(SYNE1):c.17003delinsTC (p.Gln5668fs)

Genes: SYNE1 (spectrin repeat containing nuclear envelope protein 1; minus strand), LOC126859837 (BRD4-independent group 4 enhancer GRCh37_chr6:152630775-152631974; plus strand). Cytogenetic location: 6q25.2.
Variant type: Indel.
Coding change: c.17003delinsTC on transcript NM_182961.4 (MANE Select); coding-DNA position 17003, A replaced by TC.
Protein change: p.Gln5668fs; shifts the reading frame from glutamine 5668.
Molecular consequence: frameshift variant.
Genome position (GRCh38, 1-based): chr6:152,310,412, T replaced by GA on the plus strand (A replaced by TC on the coding strand, the reverse complement: SYNE1 is on the minus strand). VCF-style: chr6-152310412-T-GA. GRCh37 (hg19) VCF-style: chr6-152631547-T-GA.
Other names: c.16790delinsTC, p.Gln5597fs (NM_033071.5); short protein forms Q5597fs, Q5668fs.
Identifiers: ClinVar variation 805559 (VCV000805559.2), dbSNP rs1589780980, ClinGen allele CA915944451.

ClinVar aggregate classification (germline): Likely pathogenic (1 of 4 stars; one submission).

Submission:

Athena Diagnostics
Classification: Likely pathogenic. Last evaluated: 2019-01-22. Review status: criteria provided, single submitter. Criteria: Athena Diagnostics Criteria. Collection method: clinical testing. Allele origin: germline.
Comment: The variant results in a shift of the reading frame, and is therefore predicted to result in the loss of a functional protein. Not found in the total gnomAD dataset, and the data is high quality (0/251462 chr).